The following is an entry in ClinVar:

ClinVar aggregate classification (germline): Uncertain significance (1 of 4 stars; one submission).

Conditions:
Primary ciliary dyskinesia 28. Also called: CILIARY DYSKINESIA, PRIMARY, 28, WITH OR WITHOUT SITUS INVERSUS. Identifiers: Orphanet 244, MedGen C3809706, MONDO:0014216, OMIM 615505.

Allele frequency attached by ClinVar (database versions not stated): gnomAD exomes below 0.00001; gnomAD 0.00001; TOPMed 0.00001.
gnomAD v4.1: 3 of 1,596,710 alleles (0.00019%); highest among the groups gnomAD compares: Non-Finnish European, 0.00026%; no homozygotes.

Submission:

Labcorp Genetics (formerly Invitae), Labcorp
Classification: Uncertain significance for Primary ciliary dyskinesia 28. Last evaluated: 2019-02-19. Review status: criteria provided, single submitter. Criteria: Invitae Variant Classification Sherloc (09022015). Collection method: clinical testing. Allele origin: germline.
Comment: In summary, the available evidence is currently insufficient to determine the role of this variant in disease. Therefore, it has been classified as a Variant of Uncertain Significance. Algorithms developed to predict the effect of missense changes on protein structure and function are either unavailable or do not agree on the potential impact of this missense change (SIFT: "Deleterious"; PolyPhen-2: "Probably Damaging"; Align-GVGD: "Class C0"). This variant has not been reported in the literature in individuals with SPAG1-related conditions. This variant is not present in population databases (ExAC no frequency). This sequence change replaces isoleucine with threonine at codon 30 of the SPAG1 protein (p.Ile30Thr). The isoleucine residue is moderately conserved and there is a moderate physicochemical difference between isoleucine and threonine.

NM_003114.5(SPAG1):c.89T>C (p.Ile30Thr)

Gene: SPAG1 (sperm associated antigen 1; plus strand). Cytogenetic location: 8q22.2.
Variant type: single nucleotide variant.
Coding change: c.89T>C on transcript NM_003114.5 (MANE Select); coding-DNA position 89, T replaced by C.
Protein change: p.Ile30Thr; replaces isoleucine 30 with threonine.
Molecular consequence: missense variant.
Genome position (GRCh38, 1-based): chr8:100,162,369, T>C. VCF-style: chr8-100162369-T-C. GRCh37 (hg19) VCF-style: chr8-101174597-T-C.
Other names: c.89T>C, p.Ile30Thr (NM_001374321.1, NM_172218.3); short protein forms I30T.
Identifiers: ClinVar variation 861165 (VCV000861165.9), dbSNP rs1278777571, ClinGen allele CA371819417.